The following is an entry in ClinVar:

NM_000140.5(FECH):c.315-48T>C

Gene: FECH (ferrochelatase; minus strand). Cytogenetic location: 18q21.31.
Variant type: single nucleotide variant.
Coding change: c.315-48T>C on transcript NM_000140.5 (MANE Select); 48 bases into the intron before coding-DNA position 315, T replaced by C.
Molecular consequence: intron variant.
Genome position (GRCh38, 1-based): chr18:57,571,588, A>G on the plus strand (T>C on the coding strand, the complement: FECH is on the minus strand). VCF-style: chr18-57571588-A-G. GRCh37 (hg19) VCF-style: chr18-55238820-A-G.
Other names: p.?; IVS3AS, T-C, -48; c.315-48T>C (NM_000140.4, NM_001371094.1, NM_001374778.1); c.333-48T>C (NM_001012515.4); c.99-48T>C (NM_001371095.1).
Identifiers: ClinVar variation 562 (VCV000000562.81), dbSNP rs2272783, ClinGen allele CA339823.
Genomic context (GRCh38, chr18:57,571,588, plus strand): 5'-TGGTGCCAGCTTACTAAATCATTTAACATACAGGTAAGTGGATTTTATTCCAGCTTAGCA[A>G]CCTGAGAAATGTTTTCTACTCAATAAAAAAGAAAAAAAGCAAAATTTTAGAGAGCCTAAC-3'

ClinVar aggregate classification (germline): Conflicting classifications of pathogenicity. Review status: criteria provided, conflicting classifications (1 of 4 stars). 28 submissions from 27 submitters: Pathogenic (15); Likely pathogenic (6); Pathogenic, low penetrance (1); Uncertain significance (1). 5 of the submissions do not count toward it. Last evaluated 2026-07-29.

Conditions:
Autosomal erythropoietic protoporphyria. Identifiers: Orphanet 79278, MedGen CN283243, MONDO:0019263.
Erythema. Identifiers: MedGen C0041834, HP:0010783.
Jaundice. Identifiers: MedGen C0022346, HP:0000952.
Protoporphyria, erythropoietic, 1 (EPP1). Also called: Erythropoietic Protoporphyria, Autosomal Recessive; HEME SYNTHETASE DEFICIENCY; FERROCHELATASE DEFICIENCY. Identifiers: Orphanet 79278, MedGen C4692546, MONDO:0008319, OMIM 177000.

Allele frequency attached by ClinVar (database versions not stated): gnomAD 0.06200 and 0.06828; gnomAD exomes 0.06707 and 0.11807; ExAC 0.10730; 1000 Genomes Project 30x 0.13398; ESP Exome Variant Server 0.03737; TOPMed 0.07570; 1000 Genomes Project 0.13738.
gnomAD v4.1: 108,334 of 1,613,854 alleles (6.7%); highest among the groups gnomAD compares: East Asian, 38%; 8,620 homozygotes.

Submissions 1 to 13 of 28:

GeneDx
Classification: Pathogenic. Last evaluated: 2026-07-29. Review status: criteria provided, single submitter. Criteria: GeneDx Variant Classification Process June 2021. Collection method: clinical testing. Allele origin: germline.
Comment: Observed in the apparent homozygous state in multiple individuals with an erythropoietic protoporphyria phenotype that was reported as either mild or typical and slightly increased erythrocyte-free protoporphyrin concentration or decreased FECH expression, but also observed in the apparent homozygous state in a few unaffected individuals from these two studies as well as in numerous individuals in large population cohorts (gnomAD) (PMID: 26280465, 29941360); In silico analysis suggests that this variant does not alter splicing; This variant is associated with the following publications: (PMID: 40954119, 34758253, 21132468, 22591014, 29854403, 30712775, 32313951, 28054335, 28026050, 28093505, 31304091, 23364466, 12601550, 18758989, 16958804, 29941360, 11753383, 16385445, 26280465, 39129919, 36898083)

Institute for Human Genetics, University Hospital Essen
Classification: Likely pathogenic for Protoporphyria, erythropoietic, 1. Last evaluated: 2026-03-03. Review status: criteria provided, single submitter. Criteria: ACMG Guidelines, 2015. Collection method: clinical testing. Allele origin: unknown. Affected: yes. Observed: 1 variant allele.
Comment: The alteration c.315-48T>C was previously established as a pathogenic variant in the homozygous state or in trans with another pathogenic variant in this gene (PS1), There are well-established in vitro or in vivo functional studies supportive of a damaging effect on the gene or gene product (PMID: 16385445) (PS3_mod), The variant was detected in a patient with a phenotype highly specific for a disease (PP4)

OLLIN Analises Genomicas, OLLIN
Classification: Pathogenic for Protoporphyria, erythropoietic, 1. Last evaluated: 2026-02-13. Review status: criteria provided, single submitter. Criteria: ACMG Guidelines 2015 PMID 25741868. Collection method: clinical testing. Allele origin: germline. Observed: 1 variant allele.
Comment: PS3_P, PS4_M, PM3_VS, PP1, BS1

Labcorp Genetics (formerly Invitae), Labcorp
Classification: Pathogenic, low penetrance. Last evaluated: 2026-02-03. Review status: criteria provided, single submitter. Criteria: Invitae Variant Classification Sherloc (09022015). Collection method: clinical testing. Allele origin: germline.
Comment: This sequence change falls in intron 3 of the FECH gene. It does not directly change the encoded amino acid sequence of the FECH protein. This variant is present in population databases (rs2272783, gnomAD 35%), including at least one homozygous and/or hemizygous individual. This mild variant has been observed in combination with another severe FECH variant in over 90% of individuals with congenital erythropoietic porphyria (PMID: 16385445, 23364466). The vast majority of individuals that are homozygous for this variant do not have clinical symptoms, even in the presence of mild biochemical abnormalities (PMID: 11753383, 29941360). However, a few individuals with milder symptoms have been reported (PMID: 1729699, 16958804, 18758989, 26280465). ClinVar contains an entry for this variant (Variation ID: 562). Algorithms developed to predict the effect of sequence changes on RNA splicing suggest that this variant may create or strengthen a splice site. In summary, this variant is reported to cause disease. However, as this variant is associated with a lower penetrance than other pathogenic alleles in the FECH gene, it has been classified as Pathogenic (low penetrance).

Laboratory of Genetics, Children's Clinical University Hospital Latvia
Classification: Likely pathogenic. Last evaluated: 2025-07-15. Review status: criteria provided, single submitter. Criteria: ACMG Guidelines, 2015. Collection method: clinical testing. Allele origin: germline. Affected: yes.

Revvity Omics, Revvity
Classification: Pathogenic for Protoporphyria, erythropoietic, 1. Last evaluated: 2025-07-15. Review status: criteria provided, single submitter. Criteria: ACMG Guidelines, 2015. Collection method: clinical testing. Allele origin: germline.

Bioscientia Institut fuer Medizinische Diagnostik GmbH, Sonic Healthcare
Classification: Pathogenic for Protoporphyria, erythropoietic, 1. Last evaluated: 2025-02-13. Review status: criteria provided, single submitter. Criteria: ACMG Guidelines, 2015. Collection method: clinical testing. Allele origin: germline. Affected: no.

Victorian Clinical Genetics Services, Murdoch Childrens Research Institute
Classification: Pathogenic for Protoporphyria, erythropoietic, 1. Last evaluated: 2024-12-30. Review status: criteria provided, single submitter. Criteria: ACMG Guidelines, 2015. Collection method: clinical testing. Allele origin: germline. Affected: yes.
Comment: This variant is classified as Pathogenic. Evidence in support of pathogenic classification: This variant has strong previous evidence of pathogenicity in unrelated individuals. This variant has been previously reported as a hypomorphic allele that causes erythropoietic protoporphyria when in trans with a deleterious variant (ClinVar, PMID: 16385445; PMID: 31304091); This variant has strong functional evidence supporting abnormal protein function. Studies with both homozygous and heterozygous patients show significantly reduced FECH activity compared to wild-type (PMID: 16385445; PMID: 16958804); Other NMD predicted variants comparable to the one identified in this case have very strong previous evidence for pathogenicity (DECIPHER, PMID: 20105171); Very strong and specific phenotype match for this individual. Evidence in support of benign classification: Variant is present in gnomAD >=0.05 (23726 heterozygotes, 3957 homozygotes). Additional information: Splice site variant (non-canonical) proven to affect splicing of the transcript with a known effect on protein structure (intron 3 of 10). This variant was shown to cause aberrant splicing leading to a frameshift p.(Asn105Lysfs*8) that is predicted to result in nonsense-mediated decay (NMD) (PMID: 16385445; PMID: 16958804); This variant is heterozygous; This gene is known to be associated with autosomal recessive disease. However, individuals with a single heterozygous FECH variant are reported to also manifest the phenotype (PMID: 20105171); Loss-of-function is a known mechanism of disease for this gene and is associated with erythropoietic protoporphyria 1 (MIM#177000); Heterozygous variants in this gene have been reported to have reduced penetrance (OMIM).

Mayo Clinic Laboratories, Mayo Clinic
Classification: Pathogenic. Last evaluated: 2024-08-08. Review status: criteria provided, single submitter. Criteria: ACMG Guidelines, 2015. Collection method: clinical testing. Allele origin: germline.

Department of Human Genetics, Hannover Medical School
Classification: Pathogenic for Protoporphyria, erythropoietic, 1. Last evaluated: 2024-05-10. Review status: criteria provided, single submitter. Criteria: ACMG Guidelines, 2015. Collection method: clinical testing. Allele origin: germline. Affected: yes.

Fulgent Genetics
Classification: Likely pathogenic for Protoporphyria, erythropoietic, 1. Last evaluated: 2024-03-27. Review status: criteria provided, single submitter. Criteria: ACMG Guidelines, 2015. Collection method: clinical testing. Allele origin: germline.

Genomic Medicine Center of Excellence, King Faisal Specialist Hospital and Research Centre
Classification: Uncertain significance for Protoporphyria, erythropoietic, 1. Last evaluated: 2024-03-25. Review status: criteria provided, single submitter. Criteria: ACMG Guidelines, 2015. Collection method: clinical testing. Allele origin: germline.

Department of Pathology and Laboratory Medicine, Sinai Health System
Classification: Pathogenic for protoporphyria, erythropoietic, 1. Last evaluated: 2023-11-28. Review status: criteria provided, single submitter. Criteria: ACMG Guidelines, 2015. Collection method: research. Allele origin: germline.